The following is an entry in ClinVar:

NM_014363.6(SACS):c.9292dup (p.Ile3098fs)

Gene: SACS (sacsin molecular chaperone; minus strand). Cytogenetic location: 13q12.12.
Variant type: Duplication.
Coding change: c.9292dup on transcript NM_014363.6 (MANE Select); coding-DNA position 9292, one base duplicated (A; older notation c.9292dupA).
Protein change: p.Ile3098fs; shifts the reading frame from isoleucine 3098.
Molecular consequence: frameshift variant.
Genome position (GRCh38, 1-based): chr13:23,334,584, T duplicated on the plus strand (A on the coding strand, the reverse complement: SACS is on the minus strand). VCF-style (leftmost placement, unchanged base first): chr13-23334583-A-AT. GRCh37 (hg19) VCF-style: chr13-23908722-A-AT.
Other names: c.8851dup, p.Ile2951fs (NM_001278055.2); short protein forms I3098fs, I2951fs.
Identifiers: ClinVar variation 2756823 (VCV002756823.3), dbSNP rs2542204523, ClinGen allele CA2697551685.
Genomic context (GRCh38, chr13:23,334,583, plus strand): 5'-GGCAGCTTCCCAATATGGCAATTAGTGTCAGGAGAGGAAAATGTCATTAAAAAAGATCTG[A>AT]TATCAGCAGGGGTCACATAACTAACAGGAATATCTGCATCTATAAGACAGTGGTAAAGAT-3'

ClinVar aggregate classification (germline): Pathogenic (1 of 4 stars; one submission).

Conditions:
Spastic paraplegia. Identifiers: MedGen C0037772, HP:0001258.

Submission:

Labcorp Genetics (formerly Invitae), Labcorp
Classification: Pathogenic for Spastic paraplegia. Last evaluated: 2023-06-02. Review status: criteria provided, single submitter. Criteria: Invitae Variant Classification Sherloc (09022015). Collection method: clinical testing. Allele origin: germline.
Comment: For these reasons, this variant has been classified as Pathogenic. This variant disrupts a region of the SACS protein in which other variant(s) (p.Asn4549Asp) have been determined to be pathogenic (PMID: 15156359, 21507954). This suggests that this is a clinically significant region of the protein, and that variants that disrupt it are likely to be disease-causing. This variant has not been reported in the literature in individuals affected with SACS-related conditions. This variant is not present in population databases (gnomAD no frequency). This sequence change creates a premature translational stop signal (p.Ile3098Asnfs*12) in the SACS gene. While this is not anticipated to result in nonsense mediated decay, it is expected to disrupt the last 1482 amino acid(s) of the SACS protein.

Literature cited by the submitters: PubMed 15156359; PubMed 21507954.